The following is an entry in ClinVar:

ClinVar aggregate classification (germline): Likely pathogenic (1 of 4 stars; one submission).

Allele frequency attached by ClinVar (database versions not stated): TOPMed below 0.00001; gnomAD 0.00001.
gnomAD v4.1: 1 of 1,613,890 alleles (0.000062%); highest among the groups gnomAD compares: Non-Finnish European, 0.000085%; no homozygotes.

Submission:

Labcorp Genetics (formerly Invitae), Labcorp
Classification: Likely pathogenic. Last evaluated: 2024-03-04. Review status: criteria provided, single submitter. Criteria: Invitae Variant Classification Sherloc (09022015). Collection method: clinical testing. Allele origin: germline.
Comment: This sequence change affects a donor splice site in intron 16 of the VARS2 gene. It is expected to disrupt RNA splicing. Variants that disrupt the donor or acceptor splice site typically lead to a loss of protein function (PMID: 16199547), and loss-of-function variants in VARS2 are known to be pathogenic (PMID: 29313548). This variant is not present in population databases (gnomAD no frequency). This variant has not been reported in the literature in individuals affected with VARS2-related conditions. ClinVar contains an entry for this variant (Variation ID: 1483787). Algorithms developed to predict the effect of sequence changes on RNA splicing suggest that this variant may disrupt the consensus splice site. In summary, the currently available evidence indicates that the variant is pathogenic, but additional data are needed to prove that conclusively. Therefore, this variant has been classified as Likely Pathogenic.

Literature cited by the submitters: PubMed 16199547; PubMed 29313548.

NM_020442.6(VARS2):c.1556+1G>A

Gene: VARS2 (valyl-tRNA synthetase 2, mitochondrial; plus strand). Cytogenetic location: 6p21.33.
Variant type: single nucleotide variant.
Coding change: c.1556+1G>A on transcript NM_020442.6 (MANE Select); the canonical splice donor site of the intron after coding-DNA position 1556, G replaced by A.
Molecular consequence: splice donor variant.
Genome position (GRCh38, 1-based): chr6:30,921,142, G>A. VCF-style: chr6-30921142-G-A. GRCh37 (hg19) VCF-style: chr6-30888919-G-A.
Other names: c.1646+1G>A (NM_001167734.2); c.1136+1G>A (NM_001167733.3).
Identifiers: ClinVar variation 1483787 (VCV001483787.8), dbSNP rs1370457169, ClinGen allele CA363173531.
Genomic context (GRCh38, chr6:30,921,142, plus strand): 5'-CCTGGAGCTCAGTCCCTCCTTCCACCAGAAGAACTGGCAGCACTGGTTTTCCCATATTGG[G>A]TAAGGGTAGGGTAAGGGGAGCTCTTGTGGAGATGGGGAGGGGGGACTGACTGGTTATTCT-3'